The following is an entry in ClinVar:

ClinVar aggregate classification (germline): Benign. Review status: criteria provided, single submitter (1 of 4 stars). 2 submissions from 2 submitters: Benign (1). 1 of the submissions does not count toward it. Last evaluated 2026-08-01.

Conditions:
KCNQ1-related disorder. Also called: KCNQ1-related condition; KCNQ1-related disorders. Identifiers: MedGen CN239322.

Allele frequency attached by ClinVar (database versions not stated): 1000 Genomes Project 30x 0.00078; 1000 Genomes Project 0.00100; TOPMed 0.00188; gnomAD 0.00205; gnomAD exomes 0.00217.
gnomAD v4.1: 849 of 398,342 alleles (0.21%); highest among the groups gnomAD compares: Non-Finnish European, 0.31%; 1 homozygote.

Submissions (2):

CeGaT Center for Human Genetics Tuebingen
Classification: Benign. Last evaluated: 2026-08-01. Review status: criteria provided, single submitter. Criteria: CeGaT Center For Human Genetics Tuebingen Variant Classification Criteria Version 2. Collection method: clinical testing. Allele origin: germline. Affected: yes. Observed: 19 variant alleles.
Comment: KCNQ1OT1: BS1, BS2

PreventionGenetics, part of Exact Sciences
Classification: Likely benign for KCNQ1-related condition. Last evaluated: 2023-01-18. Review status: no assertion criteria provided. Collection method: clinical testing. Allele origin: germline. Not counted in ClinVar's aggregate classification.
Comment: This variant is classified as likely benign based on ACMG/AMP sequence variant interpretation guidelines (Richards et al. 2015 PMID: 25741868, with internal and published modifications).

NM_000218.3(KCNQ1):c.1514+29457A>G

Genes: KCNQ1 (potassium voltage-gated channel subfamily Q member 1; plus strand), KCNQ1OT1 (KCNQ1 opposite strand/antisense transcript 1; minus strand). Cytogenetic location: 11p15.5.
Variant type: single nucleotide variant.
Coding change: c.1514+29457A>G on transcript NM_000218.3 (MANE Select); 29457 bases into the intron after coding-DNA position 1514, A replaced by G.
Molecular consequence: intron variant.
Genome position (GRCh38, 1-based): chr11:2,691,538, A>G. VCF-style: chr11-2691538-A-G. GRCh37 (hg19) VCF-style: chr11-2712768-A-G.
Other names: c.1244+29457A>G (NM_001406837.1); c.1418+29457A>G (NM_001406836.1); c.974+29457A>G (NM_001406838.1); c.1133+29457A>G (NM_181798.2); c.1514+29457A>G (NM_000218.2).
Identifiers: ClinVar variation 2498499 (VCV002498499.29), dbSNP rs190917477, ClinGen allele CA216192947.